The following is an entry in ClinVar:

ClinVar aggregate classification (germline): Uncertain significance (1 of 4 stars; one submission).

Conditions:
Neuropathy, hereditary sensory and autonomic, type 2A (HSAN2A). Also called: HSAN IIA; WNK1-Related HSAN2 (HSAN2A); ACROOSTEOLYSIS, GIACCAI TYPE; ACROOSTEOLYSIS, NEUROGENIC; MORVAN DISEASE; NEUROPATHY, CONGENITAL SENSORY. Identifiers: Orphanet 970, MedGen C2752089, MONDO:0024309, OMIM 201300.
Pseudohypoaldosteronism type 2C (PHA2C). Also called: Pseudohypoaldosteronism Type IIC. Identifiers: Orphanet 757, Orphanet 88940, MedGen C1840391, MONDO:0013778, OMIM 614492.

Submission:

Labcorp Genetics (formerly Invitae), Labcorp
Classification: Uncertain significance for Neuropathy, hereditary sensory and autonomic, type 2A; Pseudohypoaldosteronism type 2C. Last evaluated: 2017-01-13. Review status: criteria provided, single submitter. Criteria: Invitae Variant Classification Sherloc (09022015). Collection method: clinical testing. Allele origin: germline.
Comment: This sequence change replaces valine with leucine at codon 698 of the WNK1 protein (p.Val698Leu). The valine residue is moderately conserved and there is a small physicochemical difference between valine and leucine. This variant is not present in population databases (ExAC no frequency) and has not been reported in the literature in individuals with a WNK1-related disease. Algorithms developed to predict the effect of missense changes on protein structure and function do not agree on the potential impact of this missense change (SIFT: "Tolerated"; PolyPhen-2: "Possibly damaging"; Align-GVGD: "Class C0"). In summary, this variant is a novel missense change with uncertain impact on protein function. It has been classified as a Variant of Uncertain Significance.

NM_018979.4(WNK1):c.2092G>C (p.Val698Leu)

Gene: WNK1 (WNK lysine deficient protein kinase 1; plus strand). Cytogenetic location: 12p13.33.
Variant type: single nucleotide variant.
Coding change: c.2092G>C on transcript NM_018979.4 (MANE Select); coding-DNA position 2092, G replaced by C.
Protein change: p.Val698Leu; replaces valine 698 with leucine.
Molecular consequence: missense variant.
Genome position (GRCh38, 1-based): chr12:862,223, G>C. VCF-style: chr12-862223-G-C. GRCh37 (hg19) VCF-style: chr12-971389-G-C.
Other names: c.2092G>C, p.Val698Leu (NM_001184985.2, NM_014823.3, NM_213655.5); short protein forms V698L.
Identifiers: ClinVar variation 471171 (VCV000471171.1), dbSNP rs764336343, ClinGen allele CA383336626.